The following is an entry in ClinVar:

ClinVar aggregate classification (germline): Uncertain significance (1 of 4 stars; one submission).

Conditions:
Wilson disease (WND). Also called: Wilson's disease. Identifiers: Orphanet 905, MedGen C0019202, MONDO:0010200, OMIM 277900. Disease mechanism: loss of function.

Submission:

All of Us Research Program, National Institutes of Health
Classification: Uncertain significance for Wilson disease. Last evaluated: 2023-11-20. Review status: criteria provided, single submitter. Criteria: ACMG Guidelines, 2015. Collection method: clinical testing. Allele origin: germline. Inheritance: Autosomal recessive inheritance. Observed: 2 variant alleles, 2 heterozygotes.
Comment: This missense variant replaces valine with methionine at codon 503 of the ATP7B protein. Computational prediction suggests that this variant may have deleterious impact on protein structure and function (internally defined REVEL score threshold >= 0.7, PMID: 27666373). To our knowledge, functional studies have not been reported for this variant. This variant has not been reported in individuals affected with ATP7B-related disorders in the literature. This variant has not been identified in the general population by the Genome Aggregation Database (gnomAD). The available evidence is insufficient to determine the role of this variant in disease conclusively. Therefore, this variant is classified as a Variant of Uncertain Significance.

This study involves interpretation of variants in research participants for the purpose of population health screening. Participant phenotype was not available at the time of variant classification. Additional details can be found in publication PMID: 35346344, PMCID: PMC8962531

NM_000053.4(ATP7B):c.1507G>A (p.Val503Met)

Gene: ATP7B (ATPase copper transporting beta; minus strand). Cytogenetic location: 13q14.3.
Variant type: single nucleotide variant.
Coding change: c.1507G>A on transcript NM_000053.4 (MANE Select); coding-DNA position 1507, G replaced by A.
Protein change: p.Val503Met; replaces valine 503 with methionine.
Molecular consequence: missense variant. On other transcripts: intron variant (1).
Genome position (GRCh38, 1-based): chr13:51,970,528, C>T on the plus strand (G>A on the coding strand, the complement: ATP7B is on the minus strand). VCF-style: chr13-51970528-C-T. GRCh37 (hg19) VCF-style: chr13-52544664-C-T.
Other names: c.1507G>A, p.Val503Met (NM_001005918.3, NM_001406519.1, NM_001406521.1 and 28 more transcripts); c.1411G>A, p.Val471Met (NM_001406517.1, NM_001406518.1, NM_001406530.1 and 3 more transcripts); c.1174G>A, p.Val392Met (NM_001243182.2); c.1285+3407G>A (NM_001406548.1); c.1078G>A, p.Val360Met (NM_001406539.1); short protein forms V360M, V392M, V471M, V503M.
Identifiers: ClinVar variation 3070981 (VCV003070981.1), dbSNP rs2547792833, ClinGen allele CA388035333.
Genomic context (GRCh38, chr13:51,970,528, plus strand): 5'-TCAACATGGGCGTTCATCTCTTACCAGCTTCTTTCTGCAGATTCCTTTCTATGTTAGACA[C>T]ACAGGATGCACAGGTCATGCCTTTGATCTGTAAGAAGCACTTCTGCGGTGCCACTGCTCT-3'
Protein context (NP_000044.2, residues 493-513): QIKGMTCASC[Val503Met]SNIERNLQKE